The following is an entry in ClinVar:

ClinVar aggregate classification (germline): Uncertain significance. Review status: criteria provided, multiple submitters, no conflicts (2 of 4 stars). 4 submissions from 4 submitters: Uncertain significance (3). 1 of the submissions does not count toward it. Last evaluated 2022-11-02.

Conditions:
RPGRIP1L-related disorder. Also called: RPGRIP1L-related condition; RPGRIP1L-related disorders. Identifiers: MedGen CN239416.
Joubert syndrome 7 (JBTS7). Identifiers: Orphanet 220497, MedGen C1969053, MONDO:0012694, OMIM 611560.
Meckel syndrome, type 5 (MKS5). Identifiers: Orphanet 564, MedGen C1969052, MONDO:0012695, OMIM 611561.
COACH syndrome 3. Identifiers: MedGen C5436841, MONDO:0030862, OMIM 619113.
Joubert syndrome. Also called: JOUBERT-BOLTSHAUSER SYNDROME; Familial aplasia of the vermis. Identifiers: Orphanet 475, MedGen C5979921, MONDO:0018772.
Meckel-Gruber syndrome. Also called: Dysencephalia splachnocystica; DYSENCEPHALIA SPLANCHNOCYSTICA; GRUBER SYNDROME. Identifiers: Orphanet 564, MedGen C0265215, MONDO:0018921.

Allele frequency attached by ClinVar (database versions not stated): gnomAD 0.00001.
gnomAD v4.1: 2 of 1,613,404 alleles (0.00012%); highest among the groups gnomAD compares: African/African-American, 0.0013%; no homozygotes.

Submissions (4):

Blueprint Genetics
Classification: Uncertain significance. Last evaluated: 2022-11-02. Review status: criteria provided, single submitter. Criteria: ACMG Guidelines, 2015. Collection method: clinical testing. Allele origin: germline.

Labcorp Genetics (formerly Invitae), Labcorp
Classification: Uncertain significance for Joubert syndrome; Meckel-Gruber syndrome. Last evaluated: 2022-07-09. Review status: criteria provided, single submitter. Criteria: Invitae Variant Classification Sherloc (09022015). Collection method: clinical testing. Allele origin: germline.
Comment: This sequence change replaces glutamine, which is neutral and polar, with histidine, which is basic and polar, at codon 249 of the RPGRIP1L protein (p.Gln249His). This variant is not present in population databases (gnomAD no frequency). This variant has not been reported in the literature in individuals affected with RPGRIP1L-related conditions. ClinVar contains an entry for this variant (Variation ID: 1401620). Algorithms developed to predict the effect of missense changes on protein structure and function (SIFT, PolyPhen-2, Align-GVGD) all suggest that this variant is likely to be tolerated. In summary, the available evidence is currently insufficient to determine the role of this variant in disease. Therefore, it has been classified as a Variant of Uncertain Significance.

Fulgent Genetics
Classification: Uncertain significance for Joubert syndrome 7; Meckel syndrome, type 5; COACH syndrome 3. Last evaluated: 2022-05-25. Review status: criteria provided, single submitter. Criteria: ACMG Guidelines, 2015. Collection method: clinical testing. Allele origin: unknown.

PreventionGenetics, part of Exact Sciences
Classification: Uncertain significance for RPGRIP1L-related condition. Last evaluated: 2024-06-10. Review status: no assertion criteria provided. Collection method: clinical testing. Allele origin: germline. Not counted in ClinVar's aggregate classification.
Comment: The RPGRIP1L c.747G>C variant is predicted to result in the amino acid substitution p.Gln249His. To our knowledge, this variant has not been reported in the literature or in a large population database, indicating this variant is rare. At this time, the clinical significance of this variant is uncertain due to the absence of conclusive functional and genetic evidence.

NM_015272.5(RPGRIP1L):c.747G>C (p.Gln249His)

Gene: RPGRIP1L (RPGRIP1 like; minus strand). Cytogenetic location: 16q12.2.
Variant type: single nucleotide variant.
Coding change: c.747G>C on transcript NM_015272.5 (MANE Select); coding-DNA position 747, G replaced by C.
Protein change: p.Gln249His; replaces glutamine 249 with histidine.
Molecular consequence: missense variant.
Genome position (GRCh38, 1-based): chr16:53,686,462, C>G on the plus strand (G>C on the coding strand, the complement: RPGRIP1L is on the minus strand). VCF-style: chr16-53686462-C-G. GRCh37 (hg19) VCF-style: chr16-53720374-C-G.
Other names: c.747G>C, p.Gln249His (NM_001127897.4, NM_001308334.3, NM_001330538.2); c.747G>C (NM_015272.4); short protein forms Q249H.
Identifiers: ClinVar variation 1401620 (VCV001401620.8), dbSNP rs1970020650, ClinGen allele CA395923788.
Genomic context (GRCh38, chr16:53,686,462, plus strand): 5'-TTATCAAAGTGATATTTCTGTTTTAACATACCTTTGATCTGTAGCTTGCTGTTCTCGAAG[C>G]TGAAGAAGAGATAACTCAATTTCATTTTCTTTTCTCCTCAACTGAGTTTTCAGGATCTCA-3'
Protein context (NP_056087.2, residues 239-259): KENEIELSLL[Gln249His]LREQQATDQR